The following is an entry in ClinVar:

NM_177924.5(ASAH1):c.409T>A (p.Tyr137Asn)

Gene: ASAH1 (N-acylsphingosine amidohydrolase 1; minus strand). Cytogenetic location: 8p22.
Variant type: single nucleotide variant.
Coding change: c.409T>A on transcript NM_177924.5 (MANE Select); coding-DNA position 409, T replaced by A.
Protein change: p.Tyr137Asn; replaces tyrosine 137 with asparagine.
Molecular consequence: missense variant.
Genome position (GRCh38, 1-based): chr8:18,064,505, A>T on the plus strand (T>A on the coding strand, the complement: ASAH1 is on the minus strand). VCF-style: chr8-18064505-A-T. GRCh37 (hg19) VCF-style: chr8-17922014-A-T.
Other names: c.391T>A, p.Tyr131Asn (NM_001127505.3); c.214T>A, p.Tyr72Asn (NM_001363743.2); c.457T>A, p.Tyr153Asn (NM_004315.6); short protein forms Y72N, Y131N, Y137N, Y153N.
Identifiers: ClinVar variation 1414058 (VCV001414058.4), dbSNP rs1799848546, ClinGen allele CA370431728.

ClinVar aggregate classification (germline): Uncertain significance (1 of 4 stars; one submission).

Submission:

Labcorp Genetics (formerly Invitae), Labcorp
Classification: Uncertain significance. Last evaluated: 2022-03-08. Review status: criteria provided, single submitter. Criteria: Invitae Variant Classification Sherloc (09022015). Collection method: clinical testing. Allele origin: germline.
Comment: In summary, the available evidence is currently insufficient to determine the role of this variant in disease. Therefore, it has been classified as a Variant of Uncertain Significance. This variant disrupts the p.Tyr137 amino acid residue in ASAH1. Other variant(s) that disrupt this residue have been determined to be pathogenic (PMID: 28251733, 32449975). This suggests that this residue is clinically significant, and that variants that disrupt this residue are likely to be disease-causing. Algorithms developed to predict the effect of missense changes on protein structure and function (SIFT, PolyPhen-2, Align-GVGD) all suggest that this variant is likely to be disruptive. This missense change has been observed in individual(s) with Farber disease (PMID: 32449975). This variant is not present in population databases (gnomAD no frequency). This sequence change replaces tyrosine, which is neutral and polar, with asparagine, which is neutral and polar, at codon 137 of the ASAH1 protein (p.Tyr137Asn).

Literature cited by the submitters: PubMed 28251733; PubMed 32449975.